The following is an entry in ClinVar:

NM_001035.3(RYR2):c.9367+1G>A

Gene: RYR2 (ryanodine receptor 2; plus strand). Cytogenetic location: 1q43.
Variant type: single nucleotide variant.
Coding change: c.9367+1G>A on transcript NM_001035.3 (MANE Select); the canonical splice donor site of the intron after coding-DNA position 9367, G replaced by A.
Molecular consequence: splice donor variant.
Genome position (GRCh38, 1-based): chr1:237,700,468, G>A. VCF-style: chr1-237700468-G-A. GRCh37 (hg19) VCF-style: chr1-237863768-G-A.
Identifiers: ClinVar variation 1722801 (VCV001722801.2), dbSNP rs1243043710, ClinGen allele CA345406269.

ClinVar aggregate classification (germline): Uncertain significance (1 of 4 stars; one submission).

Submission:

GeneDx
Classification: Uncertain significance. Last evaluated: 2022-05-02. Review status: criteria provided, single submitter. Criteria: GeneDx Variant Classification Process June 2021. Collection method: clinical testing. Allele origin: germline. Affected: yes.
Comment: Canonical splice site variant in a gene or region of a gene for which loss of function is not a well-established mechanism of disease; Not observed at significant frequency in large population cohorts (gnomAD); Has not been previously published as pathogenic or benign to our knowledge